The following is an entry in ClinVar:

NM_001184.4(ATR):c.1768T>G (p.Leu590Val)

Gene: ATR (ATR checkpoint kinase; minus strand). Cytogenetic location: 3q23.
Variant type: single nucleotide variant.
Coding change: c.1768T>G on transcript NM_001184.4 (MANE Select); coding-DNA position 1768, T replaced by G.
Protein change: p.Leu590Val; replaces leucine 590 with valine.
Molecular consequence: missense variant.
Genome position (GRCh38, 1-based): chr3:142,558,741, A>C on the plus strand (T>G on the coding strand, the complement: ATR is on the minus strand). VCF-style: chr3-142558741-A-C. GRCh37 (hg19) VCF-style: chr3-142277583-A-C.
Other names: c.1576T>G, p.Leu526Val (NM_001354579.2); short protein forms L526V, L590V.
Identifiers: ClinVar variation 2496624 (VCV002496624.2), dbSNP rs2108477894, ClinGen allele CA354821346.
Genomic context (GRCh38, chr3:142,558,741, plus strand): 5'-ACTTTAAACAGCCATCATCAGAATGGGAATAAATCCATGGAAGTGAGAGCATACCACATA[A>C]ATCTTCCAGGATATGATCTTCAAATGAACTGTTTACTACAGAAGCACAAAATAAGTCATT-3'
Protein context (NP_001175.2, residues 580-600): SSFEDHILED[Leu590Val]CGMLSLPWIY

ClinVar aggregate classification (germline): Uncertain significance (1 of 4 stars; one submission).

Conditions:
Inborn genetic diseases. Identifiers: MedGen C0950123, MeSH D030342.

gnomAD v4.1: 1 of 1,611,200 alleles (0.000062%); highest among the groups gnomAD compares: Non-Finnish European, 0.000085%; no homozygotes.

Submission:

Ambry Genetics
Classification: Uncertain significance for Inborn genetic diseases. Last evaluated: 2023-02-06. Review status: criteria provided, single submitter. Criteria: Ambry Variant Classification Scheme 2023. Collection method: clinical testing. Allele origin: germline.
Comment: The p.L590V variant (also known as c.1768T>G), located in coding exon 8 of the ATR gene, results from a T to G substitution at nucleotide position 1768. The leucine at codon 590 is replaced by valine, an amino acid with highly similar properties. This amino acid position is conserved. In addition, this alteration is predicted to be tolerated by in silico analysis. Since supporting evidence is limited at this time, the clinical significance of this alteration remains unclear.